The following is an entry in ClinVar:

ClinVar aggregate classification (germline): Uncertain significance. Review status: criteria provided, multiple submitters, no conflicts (2 of 4 stars). 2 submissions from 2 submitters: Uncertain significance (2). Last evaluated 2025-07-24.

Conditions:
Inborn genetic diseases. Identifiers: MedGen C0950123, MeSH D030342.
STING-associated vasculopathy with onset in infancy. Also called: Sting-associated vasculopathy, infantile-onset. Identifiers: Orphanet 425120, MedGen C4014722, MONDO:0014405, OMIM 615934.

Allele frequency attached by ClinVar (database versions not stated): gnomAD exomes 0.00001; TOPMed 0.00003; ExAC 0.00004; gnomAD 0.00004.

Submissions (2):

Labcorp Genetics (formerly Invitae), Labcorp
Classification: Uncertain significance for STING-associated vasculopathy with onset in infancy. Last evaluated: 2025-07-24. Review status: criteria provided, single submitter. Criteria: Invitae Variant Classification Sherloc (09022015). Collection method: clinical testing. Allele origin: germline.
Comment: This sequence change replaces arginine, which is basic and polar, with glutamine, which is neutral and polar, at codon 178 of the TMEM173 protein (p.Arg178Gln). This variant is present in population databases (rs775226478, gnomAD 0.02%). This variant has not been reported in the literature in individuals affected with TMEM173-related conditions. ClinVar contains an entry for this variant (Variation ID: 2883723). Invitae Evidence Modeling of protein sequence and biophysical properties (such as structural, functional, and spatial information, amino acid conservation, physicochemical variation, residue mobility, and thermodynamic stability) indicates that this missense variant is not expected to disrupt TMEM173 protein function with a negative predictive value of 80%. In summary, the available evidence is currently insufficient to determine the role of this variant in disease. Therefore, it has been classified as a Variant of Uncertain Significance.

Ambry Genetics
Classification: Uncertain significance for Inborn genetic diseases. Last evaluated: 2021-08-12. Review status: criteria provided, single submitter. Criteria: Ambry Variant Classification Scheme 2023. Collection method: clinical testing. Allele origin: germline.

NM_198282.4(STING1):c.533G>A (p.Arg178Gln)

Gene: STING1 (stimulator of interferon response cGAMP interactor 1; minus strand). Cytogenetic location: 5q31.2.
Variant type: single nucleotide variant.
Coding change: c.533G>A on transcript NM_198282.4 (MANE Select); coding-DNA position 533, G replaced by A.
Protein change: p.Arg178Gln; replaces arginine 178 with glutamine.
Molecular consequence: missense variant.
Genome position (GRCh38, 1-based): chr5:139,478,496, C>T on the plus strand (G>A on the coding strand, the complement: STING1 is on the minus strand). VCF-style: chr5-139478496-C-T. GRCh37 (hg19) VCF-style: chr5-138858081-C-T.
Other names: c.533G>A, p.Arg178Gln (NM_001301738.2); c.176G>A, p.Arg59Gln (NM_001367258.1); c.533G>A (NM_198282.2); short protein forms R178Q, R59Q.
Identifiers: ClinVar variation 2883723 (VCV002883723.4), dbSNP rs775226478, ClinGen allele CA3435378.